The following is an entry in ClinVar:

NM_018089.3(ANKZF1):c.1802A>G (p.Gln601Arg)

Gene: ANKZF1 (ankyrin repeat and zinc finger peptidyl tRNA hydrolase 1; plus strand). Cytogenetic location: 2q35.
Variant type: single nucleotide variant.
Coding change: c.1802A>G on transcript NM_018089.3 (MANE Select); coding-DNA position 1802, A replaced by G.
Protein change: p.Gln601Arg; replaces glutamine 601 with arginine.
Molecular consequence: missense variant.
Genome position (GRCh38, 1-based): chr2:219,235,584, A>G. VCF-style: chr2-219235584-A-G. GRCh37 (hg19) VCF-style: chr2-220100306-A-G.
Other names: NC_000002.11:g.220100306A>G; c.1802A>G, p.Gln601Arg (NM_001042410.2); c.1172A>G, p.Gln391Arg (NM_001282792.2); short protein forms Q601R, Q391R.
Identifiers: ClinVar variation 4509694 (VCV004509694.2).

ClinVar aggregate classification (germline): Uncertain significance (1 of 4 stars; one submission).

gnomAD v4.1: 5 of 1,613,894 alleles (0.00031%); highest among the groups gnomAD compares: East Asian, 0.0045%; no homozygotes.

Submissions (2):

Labcorp Genetics (formerly Invitae), Labcorp
Classification: Uncertain significance. Last evaluated: 2025-08-18. Review status: criteria provided, single submitter. Criteria: Invitae Variant Classification Sherloc (09022015). Collection method: clinical testing. Allele origin: germline.
Comment: This sequence change replaces glutamine, which is neutral and polar, with arginine, which is basic and polar, at codon 601 of the ANKZF1 protein (p.Gln601Arg). This variant is present in population databases (no rsID available, gnomAD 0.01%). This variant has not been reported in the literature in individuals affected with ANKZF1-related conditions. An algorithm developed to predict the effect of missense changes on protein structure and function outputs the following: PolyPhen-2: "Benign". The arginine amino acid residue is found in multiple mammalian species, which suggests that this missense change does not adversely affect protein function. Algorithms developed to predict the effect of sequence changes on RNA splicing suggest that this variant may disrupt the consensus splice site. In summary, the available evidence is currently insufficient to determine the role of this variant in disease. Therefore, it has been classified as a Variant of Uncertain Significance.

Dr. Peter K. Rogan Lab, Western University
No classification provided (evidence only). Condition: Uterine corpus endometrial carcinoma. Review status: no classification provided. Collection method: in vitro. Allele origin: not applicable. Functional consequence: retained intron. Not counted in ClinVar's aggregate classification.